The following is an entry in ClinVar:

ClinVar aggregate classification (germline): Uncertain significance. Review status: criteria provided, multiple submitters, no conflicts (2 of 4 stars). 2 submissions from 2 submitters: Uncertain significance (2). Last evaluated 2025-08-06.

Conditions:
Inborn genetic diseases. Identifiers: MedGen C0950123, MeSH D030342.

Allele frequency attached by ClinVar (database versions not stated): gnomAD exomes below 0.00001; gnomAD 0.00001; TOPMed 0.00001.
gnomAD v4.1: 3 of 1,598,916 alleles (0.00019%); highest among the groups gnomAD compares: Admixed American, 0.0017%; no homozygotes.

Submissions (2):

Ambry Genetics
Classification: Uncertain significance for Inborn genetic diseases. Last evaluated: 2025-08-06. Review status: criteria provided, single submitter. Criteria: Ambry Variant Classification Scheme 2023. Collection method: clinical testing. Allele origin: germline.

Labcorp Genetics (formerly Invitae), Labcorp
Classification: Uncertain significance. Last evaluated: 2023-10-03. Review status: criteria provided, single submitter. Criteria: Invitae Variant Classification Sherloc (09022015). Collection method: clinical testing. Allele origin: germline.
Comment: This sequence change replaces serine, which is neutral and polar, with phenylalanine, which is neutral and non-polar, at codon 574 of the IMPG2 protein (p.Ser574Phe). This variant is present in population databases (no rsID available, gnomAD 0.004%). This variant has not been reported in the literature in individuals affected with IMPG2-related conditions. ClinVar contains an entry for this variant (Variation ID: 1503688). Advanced modeling of protein sequence and biophysical properties (such as structural, functional, and spatial information, amino acid conservation, physicochemical variation, residue mobility, and thermodynamic stability) performed at Invitae indicates that this missense variant is not expected to disrupt IMPG2 protein function. In summary, the available evidence is currently insufficient to determine the role of this variant in disease. Therefore, it has been classified as a Variant of Uncertain Significance.

NM_016247.4(IMPG2):c.1721C>T (p.Ser574Phe)

Gene: IMPG2 (interphotoreceptor matrix proteoglycan 2; minus strand). Cytogenetic location: 3q12.3.
Variant type: single nucleotide variant.
Coding change: c.1721C>T on transcript NM_016247.4 (MANE Select); coding-DNA position 1721, C replaced by T.
Protein change: p.Ser574Phe; replaces serine 574 with phenylalanine.
Molecular consequence: missense variant.
Genome position (GRCh38, 1-based): chr3:101,244,610, G>A on the plus strand (C>T on the coding strand, the complement: IMPG2 is on the minus strand). VCF-style: chr3-101244610-G-A. GRCh37 (hg19) VCF-style: chr3-100963454-G-A.
Other names: c.1721C>T (NM_016247.3); short protein forms S574F.
Identifiers: ClinVar variation 1503688 (VCV001503688.9), dbSNP rs1434081359, ClinGen allele CA353860260.